The following is an entry in ClinVar:

ClinVar aggregate classification (germline): Uncertain significance. Review status: criteria provided, multiple submitters, no conflicts (2 of 4 stars). 2 submissions from 2 submitters: Uncertain significance (2). Last evaluated 2025-08-02.

Allele frequency attached by ClinVar (database versions not stated): gnomAD 0.00001 and 0.00002; gnomAD exomes 0.00001; TOPMed 0.00001; 1000 Genomes Project 30x 0.00031; 1000 Genomes Project 0.00040.
gnomAD v4.1: 16 of 1,613,806 alleles (0.00099%); highest among the groups gnomAD compares: Middle Eastern, 0.017%; no homozygotes.

Submissions (2):

Ambry Genetics
Classification: Uncertain significance. Last evaluated: 2025-08-02. Review status: criteria provided, single submitter. Criteria: Ambry Variant Classification Scheme 2023. Collection method: clinical testing. Allele origin: germline.

Labcorp Genetics (formerly Invitae), Labcorp
Classification: Uncertain significance. Last evaluated: 2021-08-09. Review status: criteria provided, single submitter. Criteria: Invitae Variant Classification Sherloc (09022015). Collection method: clinical testing. Allele origin: germline.
Comment: This sequence change replaces threonine with serine at codon 366 of the DMRT1 protein (p.Thr366Ser). The threonine residue is weakly conserved and there is a small physicochemical difference between threonine and serine. This variant is not present in population databases (ExAC no frequency). This variant has not been reported in the literature in individuals with DMRT1-related conditions. Algorithms developed to predict the effect of missense changes on protein structure and function output the following: SIFT: "Tolerated"; PolyPhen-2: "Benign"; Align-GVGD: "Class C0". The serine amino acid residue is found in multiple mammalian species, suggesting that this missense change does not adversely affect protein function. These predictions have not been confirmed by published functional studies and their clinical significance is uncertain. In summary, the available evidence is currently insufficient to determine the role of this variant in disease. Therefore, it has been classified as a Variant of Uncertain Significance.

NM_021951.3(DMRT1):c.1097C>G (p.Thr366Ser)

Gene: DMRT1 (doublesex and mab-3 related transcription factor 1; plus strand). Cytogenetic location: 9p24.3.
Variant type: single nucleotide variant.
Coding change: c.1097C>G on transcript NM_021951.3 (MANE Select); coding-DNA position 1097, C replaced by G.
Protein change: p.Thr366Ser; replaces threonine 366 with serine.
Molecular consequence: missense variant.
Genome position (GRCh38, 1-based): chr9:968,114, C>G. VCF-style: chr9-968114-C-G. GRCh37 (hg19) VCF-style: chr9-968114-C-G.
Other names: c.623C>G, p.Thr208Ser (NM_001363767.1); c.1097C>G (NM_021951.2); short protein forms T208S, T366S.
Identifiers: ClinVar variation 1408363 (VCV001408363.9), dbSNP rs138222786, ClinGen allele CA187876451.